The following is an entry in ClinVar:

NM_000836.4(GRIN2D):c.2710C>T (p.Pro904Ser)

Gene: GRIN2D (glutamate ionotropic receptor NMDA type subunit 2D; plus strand). Cytogenetic location: 19q13.33.
Variant type: single nucleotide variant.
Coding change: c.2710C>T on transcript NM_000836.4 (MANE Select); coding-DNA position 2710, C replaced by T.
Protein change: p.Pro904Ser; replaces proline 904 with serine.
Molecular consequence: missense variant.
Genome position (GRCh38, 1-based): chr19:48,442,636, C>T. VCF-style: chr19-48442636-C-T. GRCh37 (hg19) VCF-style: chr19-48945893-C-T.
Other names: short protein forms P904S.
Identifiers: ClinVar variation 2092106 (VCV002092106.4), dbSNP rs2513691681, ClinGen allele CA406671161.

ClinVar aggregate classification (germline): Uncertain significance (1 of 4 stars; one submission).

Submission:

Labcorp Genetics (formerly Invitae), Labcorp
Classification: Uncertain significance. Last evaluated: 2022-05-31. Review status: criteria provided, single submitter. Criteria: Invitae Variant Classification Sherloc (09022015). Collection method: clinical testing. Allele origin: germline.
Comment: This sequence change replaces proline, which is neutral and non-polar, with serine, which is neutral and polar, at codon 904 of the GRIN2D protein (p.Pro904Ser). This variant is not present in population databases (gnomAD no frequency). This variant has not been reported in the literature in individuals affected with GRIN2D-related conditions. Advanced modeling of protein sequence and biophysical properties (such as structural, functional, and spatial information, amino acid conservation, physicochemical variation, residue mobility, and thermodynamic stability) performed at Invitae indicates that this missense variant is not expected to disrupt GRIN2D protein function. In summary, the available evidence is currently insufficient to determine the role of this variant in disease. Therefore, it has been classified as a Variant of Uncertain Significance.